The following is an entry in ClinVar:

ClinVar aggregate classification (germline): Uncertain significance (1 of 4 stars; one submission).

Submission:

Dasa
Classification: Uncertain significance. Last evaluated: 2025-02-26. Review status: criteria provided, single submitter. Criteria: DASA Assertion Criteria. Collection method: clinical testing. Allele origin: germline.
Comment: NM_014336.5(AIPL1):c.155G>C (p.Ser52Thr) is a missense variant that results in the substitution of serine with threonine. This variant is absent from population databases. The currently available literature and clinical evidence are not sufficient to establish a definitive association between this variant and the reported condition. Therefore, this variant is classified as a variant of uncertain significance.

NM_014336.5(AIPL1):c.155G>C (p.Ser52Thr)

Gene: AIPL1 (AIP like 1 HSP90 co-chaperone; minus strand). Cytogenetic location: 17p13.2.
Variant type: single nucleotide variant.
Coding change: c.155G>C on transcript NM_014336.5 (MANE Select); coding-DNA position 155, G replaced by C.
Protein change: p.Ser52Thr; replaces serine 52 with threonine.
Molecular consequence: missense variant. On other transcripts: intron variant (2).
Genome position (GRCh38, 1-based): chr17:6,434,040, C>G on the plus strand (G>C on the coding strand, the complement: AIPL1 is on the minus strand). VCF-style: chr17-6434040-C-G. GRCh37 (hg19) VCF-style: chr17-6337360-C-G.
Other names: c.155G>C, p.Ser52Thr (NM_001285403.4, NM_001033054.3, NM_001285401.3); c.96+969G>C (NM_001033055.3); c.97-8G>C (NM_001285400.3); c.119G>C, p.Ser40Thr (NM_001285399.3); c.38G>C, p.Ser13Thr (NM_001285402.2); short protein forms S13T, S40T, S52T.
Identifiers: ClinVar variation 4886019 (VCV004886019.2).